The following is an entry in ClinVar:

ClinVar aggregate classification (germline): Uncertain significance. Review status: criteria provided, multiple submitters, no conflicts (2 of 4 stars). 2 submissions from 2 submitters: Uncertain significance (2). Last evaluated 2022-11-07.

gnomAD v4.1: 6 of 1,612,190 alleles (0.00037%); highest among the groups gnomAD compares: African/African-American, 0.0067%; no homozygotes.

Submissions (2):

Blueprint Genetics
Classification: Uncertain significance. Last evaluated: 2022-11-07. Review status: criteria provided, single submitter. Criteria: ACMG Guidelines, 2015. Collection method: clinical testing. Allele origin: germline.

Labcorp Genetics (formerly Invitae), Labcorp
Classification: Uncertain significance. Last evaluated: 2022-03-09. Review status: criteria provided, single submitter. Criteria: Invitae Variant Classification Sherloc (09022015). Collection method: clinical testing. Allele origin: germline.
Comment: This sequence change replaces tyrosine, which is neutral and polar, with phenylalanine, which is neutral and non-polar, at codon 187 of the CERKL protein (p.Tyr187Phe). This variant is present in population databases (no rsID available, gnomAD 0.007%). This variant has not been reported in the literature in individuals affected with CERKL-related conditions. Algorithms developed to predict the effect of missense changes on protein structure and function (SIFT, PolyPhen-2, Align-GVGD) all suggest that this variant is likely to be tolerated. In summary, the available evidence is currently insufficient to determine the role of this variant in disease. Therefore, it has been classified as a Variant of Uncertain Significance.

NM_201548.5(CERKL):c.560A>T (p.Tyr187Phe)

Gene: CERKL (CERK like autophagy regulator; minus strand). Cytogenetic location: 2q31.3.
Variant type: single nucleotide variant.
Coding change: c.560A>T on transcript NM_201548.5 (MANE Select); coding-DNA position 560, A replaced by T.
Protein change: p.Tyr187Phe; replaces tyrosine 187 with phenylalanine.
Molecular consequence: missense variant. On other transcripts: non-coding transcript variant (1), intron variant (2).
Genome position (GRCh38, 1-based): chr2:181,573,806, T>A on the plus strand (A>T on the coding strand, the complement: CERKL is on the minus strand). VCF-style: chr2-181573806-T-A. GRCh37 (hg19) VCF-style: chr2-182438533-T-A.
Other names: c.560A>T, p.Tyr187Phe (NM_001030311.3, NM_001030313.3); c.482-24098A>T (NM_001030312.3); c.482-7685A>T (NM_001160277.2); short protein forms Y187F.
Identifiers: ClinVar variation 1435997 (VCV001435997.4), dbSNP rs1413222044, ClinGen allele CA349744079.
Genomic context (GRCh38, chr2:181,573,806, plus strand): 5'-TACTTACTTGTTACATCAGTTTTTATTCCTGCAAGCTTCAACAGAGGTTCAACCTTCTCA[T>A]AATAAACCTGGGTAGCTTCTTTTTTGTGACTTTGGGGGTTAAGGAGTATTTTTAATGACT-3'
Protein context (NP_963842.1, residues 177-197): SHKKEATQVY[Tyr187Phe]EKVEPLLKLA